The following is an entry in ClinVar:

ClinVar aggregate classification (germline): Uncertain significance (1 of 4 stars; one submission).

Allele frequency attached by ClinVar (database versions not stated): gnomAD exomes below 0.00001; ExAC 0.00001; TOPMed 0.00001.
gnomAD v4.1: 6 of 1,613,820 alleles (0.00037%); highest among the groups gnomAD compares: African/African-American, 0.0013%; no homozygotes.

Submission:

Labcorp Genetics (formerly Invitae), Labcorp
Classification: Uncertain significance. Last evaluated: 2022-02-22. Review status: criteria provided, single submitter. Criteria: Invitae Variant Classification Sherloc (09022015). Collection method: clinical testing. Allele origin: germline.
Comment: In summary, the available evidence is currently insufficient to determine the role of this variant in disease. Therefore, it has been classified as a Variant of Uncertain Significance. Algorithms developed to predict the effect of missense changes on protein structure and function (SIFT, PolyPhen-2, Align-GVGD) all suggest that this variant is likely to be disruptive. This variant has not been reported in the literature in individuals affected with DDR2-related conditions. This variant is present in population databases (rs779963287, gnomAD 0.004%). This sequence change replaces arginine, which is basic and polar, with glutamine, which is neutral and polar, at codon 631 of the DDR2 protein (p.Arg631Gln).

NM_006182.4(DDR2):c.1892G>A (p.Arg631Gln)

Gene: DDR2 (discoidin domain receptor tyrosine kinase 2; plus strand). Cytogenetic location: 1q23.3.
Variant type: single nucleotide variant.
Coding change: c.1892G>A on transcript NM_006182.4 (MANE Select); coding-DNA position 1892, G replaced by A.
Protein change: p.Arg631Gln; replaces arginine 631 with glutamine.
Molecular consequence: missense variant.
Genome position (GRCh38, 1-based): chr1:162,775,687, G>A. VCF-style: chr1-162775687-G-A. GRCh37 (hg19) VCF-style: chr1-162745477-G-A.
Other names: c.1892G>A, p.Arg631Gln (NM_001014796.3, NM_001354982.2, NM_001354983.2); short protein forms R631Q.
Identifiers: ClinVar variation 1944454 (VCV001944454.5), dbSNP rs779963287, ClinGen allele CA1217661.